The following is an entry in ClinVar:

NM_018489.3(ASH1L):c.6334A>G (p.Met2112Val)

Gene: ASH1L (ASH1 like histone lysine methyltransferase; minus strand). Cytogenetic location: 1q22.
Variant type: single nucleotide variant.
Coding change: c.6334A>G on transcript NM_018489.3 (MANE Select); coding-DNA position 6334, A replaced by G.
Protein change: p.Met2112Val; replaces methionine 2112 with valine.
Molecular consequence: missense variant.
Genome position (GRCh38, 1-based): chr1:155,370,982, T>C on the plus strand (A>G on the coding strand, the complement: ASH1L is on the minus strand). VCF-style: chr1-155370982-T-C. GRCh37 (hg19) VCF-style: chr1-155340773-T-C.
Other names: c.6349A>G, p.Met2117Val (NM_001366177.2); short protein forms M2112V, M2117V.
Identifiers: ClinVar variation 2431648 (VCV002431648.2), dbSNP rs1218923656, ClinGen allele CA342755089.
Genomic context (GRCh38, chr1:155,370,982, plus strand): 5'-TCTGGTTACAGCATTGCTCGCCACATGGGCAAGTGTTGGGGGAACACTCAGCAAAGATCA[T>C]TCTAGAAAAAAAAGGAATAACTGTACATCAACTTACATGATACATACCTTGATGCATCCA-3'
Protein context (NP_060959.2, residues 2102-2122): KGCVDDCLNR[Met2112Val]IFAECSPNTC

ClinVar aggregate classification (germline): Uncertain significance. Review status: criteria provided, multiple submitters, no conflicts (2 of 4 stars). 2 submissions from 2 submitters: Uncertain significance (2). Last evaluated 2026-08-06.

Conditions:
Intellectual developmental disorder, autosomal dominant 52. Also called: Intellectual disability, autosomal dominant 52; Mental retardation, autosomal dominant 52. Identifiers: MedGen C4540478, MONDO:0030918, OMIM 617796.

Allele frequency attached by ClinVar (database versions not stated): gnomAD exomes below 0.00001.
gnomAD v4.1: 6 of 1,612,296 alleles (0.00037%); highest among the groups gnomAD compares: Admixed American, 0.0051%; no homozygotes.

Submissions (2):

OLLIN Analises Genomicas, OLLIN
Classification: Uncertain significance for Intellectual developmental disorder, autosomal dominant 52. Last evaluated: 2026-08-06. Review status: criteria provided, single submitter. Criteria: ACMG Guidelines 2015 PMID 25741868. Collection method: clinical testing. Allele origin: germline. Inheritance: Autosomal dominant inheritance.
Comment: This missense variant, located in exon 11 (of 28), has been reported in ClinVar (accession VCV002431648.1) and in gnomAD with an allele frequency of 0.00037%. However, to our knowledge, it has not been reported in the scientific literature. In silico analysis predicts that this variant has a deleterious effect. According to the currently available evidence, this variant has been classified as uncertain significance (PP3, BS2).

Laboratorio de Genetica e Diagnostico Molecular, Hospital Israelita Albert Einstein
Classification: Uncertain significance for Intellectual developmental disorder, autosomal dominant 52. Last evaluated: 2023-02-06. Review status: criteria provided, single submitter. Criteria: ACMG Guidelines, 2015. Collection method: clinical testing. Allele origin: germline. Affected: yes. Observed: 1 variant allele.
Comment: ACMG classification criteria: PM2 supporting